The following is an entry in ClinVar:

ClinVar aggregate classification (germline): Uncertain significance (1 of 4 stars; one submission).

Conditions:
Pheochromocytoma/paraganglioma syndrome 5. Also called: Paragangliomas 5; SDHA-Related Hereditary Paraganglioma-Pheochromocytoma Syndrome. Identifiers: Orphanet 29072, MedGen C3279992, MONDO:0013602, OMIM 614165.
Mitochondrial complex II deficiency, nuclear type 1. Also called: SUCCINATE CoQ REDUCTASE DEFICIENCY. Identifiers: Orphanet 3208, MedGen C5700310, MONDO:0100294, OMIM 252011.

Submission:

Labcorp Genetics (formerly Invitae), Labcorp
Classification: Uncertain significance for Pheochromocytoma/paraganglioma syndrome 5; Mitochondrial complex II deficiency, nuclear type 1. Last evaluated: 2025-08-28. Review status: criteria provided, single submitter. Criteria: Invitae Variant Classification Sherloc (09022015). Collection method: clinical testing. Allele origin: germline.
Comment: This sequence change replaces glycine, which is neutral and non-polar, with arginine, which is basic and polar, at codon 464 of the SDHA protein (p.Gly464Arg). This variant is not present in population databases (gnomAD no frequency). This variant has not been reported in the literature in individuals affected with SDHA-related conditions. ClinVar contains an entry for this variant (Variation ID: 2012034). Invitae Evidence Modeling of protein sequence and biophysical properties (such as structural, functional, and spatial information, amino acid conservation, physicochemical variation, residue mobility, and thermodynamic stability) has been performed for this missense variant. However, the output from this modeling did not meet the statistical confidence thresholds required to predict the impact of this variant on SDHA protein function. In summary, the available evidence is currently insufficient to determine the role of this variant in disease. Therefore, it has been classified as a Variant of Uncertain Significance.

NM_004168.4(SDHA):c.1390G>C (p.Gly464Arg)

Gene: SDHA (succinate dehydrogenase complex flavoprotein subunit A; plus strand). Cytogenetic location: 5p15.33.
Variant type: single nucleotide variant.
Coding change: c.1390G>C on transcript NM_004168.4 (MANE Select); coding-DNA position 1390, G replaced by C.
Protein change: p.Gly464Arg; replaces glycine 464 with arginine.
Molecular consequence: missense variant.
Genome position (GRCh38, 1-based): chr5:236,557, G>C. VCF-style: chr5-236557-G-C. GRCh37 (hg19) VCF-style: chr5-236672-G-C.
Other names: c.1246G>C, p.Gly416Arg (NM_001294332.2); c.1390G>C, p.Gly464Arg (NM_001330758.2); short protein forms G464R, G416R.
Identifiers: ClinVar variation 2012034 (VCV002012034.4), dbSNP rs2126590387, ClinGen allele CA359014059.